The following is an entry in ClinVar:

ClinVar aggregate classification (germline): Uncertain significance (1 of 4 stars; one submission).

Conditions:
Hereditary cancer-predisposing syndrome. Also called: Tumor predisposition; Neoplastic Syndromes, Hereditary; Hereditary Cancer Syndrome; Hereditary neoplastic syndrome. Identifiers: Orphanet 140162, MedGen C0027672, MeSH D009386, MONDO:0015356.

Allele frequency attached by ClinVar (database versions not stated): gnomAD exomes below 0.00001.
gnomAD v4.1: 1 of 1,614,102 alleles (0.000062%); highest among the groups gnomAD compares: Non-Finnish European, 0.000085%; no homozygotes.

Submission:

Ambry Genetics
Classification: Uncertain significance for Hereditary cancer-predisposing syndrome. Last evaluated: 2022-10-27. Review status: criteria provided, single submitter. Criteria: Ambry Variant Classification Scheme 2023. Collection method: clinical testing. Allele origin: germline.
Comment: The p.I1056V variant (also known as c.3166A>G), located in coding exon 18 of the PTCH1 gene, results from an A to G substitution at nucleotide position 3166. The isoleucine at codon 1056 is replaced by valine, an amino acid with highly similar properties. This amino acid position is highly conserved in available vertebrate species. In addition, the in silico prediction for this alteration is inconclusive. Since supporting evidence is limited at this time, the clinical significance of this alteration remains unclear.

NM_000264.5(PTCH1):c.3166A>G (p.Ile1056Val)

Gene: PTCH1 (patched 1; minus strand). Cytogenetic location: 9q22.32.
Variant type: single nucleotide variant.
Coding change: c.3166A>G on transcript NM_000264.5 (MANE Select); coding-DNA position 3166, A replaced by G.
Protein change: p.Ile1056Val; replaces isoleucine 1056 with valine.
Molecular consequence: missense variant. On other transcripts: non-coding transcript variant (1).
Genome position (GRCh38, 1-based): chr9:95,458,015, T>C on the plus strand (A>G on the coding strand, the complement: PTCH1 is on the minus strand). VCF-style: chr9-95458015-T-C. GRCh37 (hg19) VCF-style: chr9-98220297-T-C.
Other names: c.2713A>G, p.Ile905Val (NM_001083604.3, NM_001083605.3, NM_001083607.3 and 1 more transcripts); c.3163A>G, p.Ile1055Val (NM_001083603.3); c.2968A>G, p.Ile990Val (NM_001083602.3); c.3010A>G, p.Ile1004Val (NM_001354918.2); short protein forms I1055V, I990V, I1004V, I905V, I1056V.
Identifiers: ClinVar variation 1728365 (VCV001728365.2), dbSNP rs1482854138, ClinGen allele CA374112251.